The following is an entry in ClinVar:

ClinVar aggregate classification (germline): Conflicting classifications of pathogenicity. Review status: criteria provided, conflicting classifications (1 of 4 stars). 6 submissions from 5 submitters: Uncertain significance (4); Likely benign (2). Last evaluated 2025-11-16.

Conditions:
Neurofibromatosis, type 1 (NF1). Also called: Peripheral type neurofibromatosis; NEUROFIBROMATOSIS, TYPE I, SOMATIC; VON RECKLINGHAUSEN DISEASE; Neurofibromatosis, type I. Identifiers: Orphanet 636, MedGen C0027831, MONDO:0018975, OMIM 162200. Disease mechanism: loss of function.
Cardiovascular phenotype. Identifiers: MedGen CN230736.
Hereditary cancer-predisposing syndrome. Also called: Hereditary neoplastic syndrome; Neoplastic Syndromes, Hereditary; Hereditary Cancer Syndrome; Tumor predisposition. Identifiers: Orphanet 140162, MedGen C0027672, MeSH D009386, MONDO:0015356.
Neurofibromatosis, familial spinal (FSNF). Identifiers: Orphanet 636, MedGen C1834235, MONDO:0008078, OMIM 162210. Disease mechanism: loss of function.
Neurofibromatosis-Noonan syndrome (NFNS). Also called: NEUROFIBROMATOSIS WITH NOONAN PHENOTYPE. Identifiers: Orphanet 638, MedGen C2931482, MONDO:0011035, OMIM 601321. Disease mechanism: loss of function.
Café-au-lait macules with pulmonary stenosis (WTSN). Also called: PULMONIC STENOSIS WITH CAFE-AU-LAIT SPOTS. Identifiers: MedGen C0553586, MONDO:0008672, OMIM 193520.
Juvenile myelomonocytic leukemia (JMML). Also called: LEUKEMIA, JUVENILE MYELOMONOCYTIC, SOMATIC. Identifiers: Orphanet 86834, MedGen C0349639, MONDO:0011908, OMIM 607785, HP:0012209.

Allele frequency attached by ClinVar (database versions not stated): gnomAD 0.00002 and 0.00001; 1000 Genomes Project 0.00040; TOPMed 0.00001; gnomAD exomes 0.00002; ExAC 0.00002; 1000 Genomes Project 30x 0.00031.
gnomAD v4.1: 27 of 1,614,094 alleles (0.0017%); highest among the groups gnomAD compares: South Asian, 0.0066%; no homozygotes.

Submissions (6):

Labcorp Genetics (formerly Invitae), Labcorp
Classification: Likely benign for Neurofibromatosis, type 1. Last evaluated: 2025-11-16. Review status: criteria provided, single submitter. Criteria: Invitae Variant Classification Sherloc (09022015). Collection method: clinical testing. Allele origin: germline.

Fulgent Genetics
Classification: Uncertain significance for Neurofibromatosis, type 1; Neurofibromatosis, familial spinal; Café-au-lait macules with pulmonary stenosis; Neurofibromatosis-Noonan syndrome; Juvenile myelomonocytic leukemia. Last evaluated: 2024-04-17. Review status: criteria provided, single submitter. Criteria: ACMG Guidelines, 2015. Collection method: clinical testing. Allele origin: germline.

GeneDx
Classification: Uncertain significance. Last evaluated: 2022-12-12. Review status: criteria provided, single submitter. Criteria: GeneDx Variant Classification Process June 2021. Collection method: clinical testing. Allele origin: germline. Affected: yes.
Comment: Observed in individuals with a personal or family history including thyroid cancer (Yehia et al., 2018); In silico analysis supports that this missense variant does not alter protein structure/function; This variant is associated with the following publications: (PMID: 29684080)

Genome-Nilou Lab
Classification: Uncertain significance for Neurofibromatosis, type 1. Last evaluated: 2022-03-15. Review status: criteria provided, single submitter. Criteria: ACMG Guidelines, 2015. Collection method: clinical testing. Allele origin: germline. Affected: no.

Ambry Genetics
Classification: Likely benign for Cardiovascular phenotype; Hereditary cancer-predisposing syndrome. Last evaluated: 2019-01-29. Review status: criteria provided, single submitter. Criteria: Ambry Variant Classification Scheme 2023. Collection method: clinical testing. Allele origin: germline.

Ambry Genetics
Classification: Uncertain significance for Hereditary cancer-predisposing syndrome. Last evaluated: 2015-09-18. Review status: criteria provided, single submitter. Criteria: Ambry Autosomal Dominant and X-Linked criteria (10/2015). Collection method: clinical testing. Allele origin: germline. Observed: 1 variant allele.
Comment: Insufficient or conflicting evidence;In silico models in agreement (benign);Rarity in general population databases (dbsnp, esp, 1000 genomes)

NM_001042492.3(NF1):c.5407A>G (p.Ile1803Val)

Gene: NF1 (neurofibromin 1; plus strand). Cytogenetic location: 17q11.2.
Variant type: single nucleotide variant.
Coding change: c.5407A>G on transcript NM_001042492.3 (MANE Select); coding-DNA position 5407, A replaced by G.
Protein change: p.Ile1803Val; replaces isoleucine 1803 with valine.
Molecular consequence: missense variant.
Genome position (GRCh38, 1-based): chr17:31,327,637, A>G. VCF-style: chr17-31327637-A-G. GRCh37 (hg19) VCF-style: chr17-29654655-A-G.
Other names: c.5344A>G, p.Ile1782Val (NM_000267.4); short protein forms I1782V, I1803V.
Identifiers: ClinVar variation 141837 (VCV000141837.19), dbSNP rs559910904, ClinGen allele CA166564.